The following is an entry in ClinVar:

NM_004320.6(ATP2A1):c.2615_2618del (p.His872fs)

Gene: ATP2A1 (ATPase sarcoplasmic/endoplasmic reticulum Ca2+ transporting 1; plus strand). Cytogenetic location: 16p11.2.
Variant type: Deletion.
Coding change: c.2615_2618del on transcript NM_004320.6 (MANE Select); coding-DNA positions 2615 to 2618, 4 bases deleted (ACTT; older notation c.2615_2618delACTT).
Protein change: p.His872fs; shifts the reading frame from histidine 872.
Molecular consequence: frameshift variant.
Genome position (GRCh38, 1-based): chr16:28,902,782-28,902,785, ACTT deleted. VCF-style (leftmost placement, unchanged base first): chr16-28902781-CACTT-C. GRCh37 (hg19) VCF-style: chr16-28914102-CACTT-C.
Other names: c.2240_2243del, p.His747fs (NM_001286075.2); c.2615_2618del, p.His872fs (NM_173201.5); short protein forms H872fs, H747fs.
Identifiers: ClinVar variation 1451853 (VCV001451853.9), dbSNP rs1964119065, ClinGen allele CA2215888368.

ClinVar aggregate classification (germline): Pathogenic (1 of 4 stars; one submission).

Conditions:
Brody myopathy. Also called: BRODY DISEASE. Identifiers: Orphanet 53347, MedGen C1832918, MONDO:0010977, OMIM 601003.

Allele frequency attached by ClinVar (database versions not stated): gnomAD exomes below 0.00001; TOPMed below 0.00001.

Submission:

Labcorp Genetics (formerly Invitae), Labcorp
Classification: Pathogenic for Brody myopathy. Last evaluated: 2023-12-03. Review status: criteria provided, single submitter. Criteria: Invitae Variant Classification Sherloc (09022015). Collection method: clinical testing. Allele origin: germline.
Comment: This sequence change creates a premature translational stop signal (p.His872Profs*14) in the ATP2A1 gene. It is expected to result in an absent or disrupted protein product. Loss-of-function variants in ATP2A1 are known to be pathogenic (PMID: 8841193, 10914677, 23911890). This variant is not present in population databases (gnomAD no frequency). This variant has not been reported in the literature in individuals affected with ATP2A1-related conditions. ClinVar contains an entry for this variant (Variation ID: 1451853). For these reasons, this variant has been classified as Pathogenic.

Literature cited by the submitters: PubMed 8841193; PubMed 10914677; PubMed 23911890.